The following is an entry in ClinVar:

NM_001330691.3(CEP78):c.139G>A (p.Ala47Thr)

Gene: CEP78 (centrosomal protein 78; plus strand). Cytogenetic location: 9q21.2.
Variant type: single nucleotide variant.
Coding change: c.139G>A on transcript NM_001330691.3 (MANE Select); coding-DNA position 139, G replaced by A.
Protein change: p.Ala47Thr; replaces alanine 47 with threonine.
Molecular consequence: missense variant.
Genome position (GRCh38, 1-based): chr9:78,236,489, G>A. VCF-style: chr9-78236489-G-A. GRCh37 (hg19) VCF-style: chr9-80851405-G-A.
Other names: c.139G>A, p.Ala47Thr (NM_001098802.3, NM_001330693.3, NM_001330694.2 and 4 more transcripts); short protein forms A47T.
Identifiers: ClinVar variation 854793 (VCV000854793.14), dbSNP rs770673349, ClinGen allele CA5094821.

ClinVar aggregate classification (germline): Uncertain significance. Review status: criteria provided, multiple submitters, no conflicts (2 of 4 stars). 4 submissions from 4 submitters: Uncertain significance (3). 1 of the submissions does not count toward it. Last evaluated 2024-09-18.

Conditions:
Inborn genetic diseases. Identifiers: MedGen C0950123, MeSH D030342.
Optic atrophy. Identifiers: MedGen C0029124, MONDO:0003608, HP:0000648.

Allele frequency attached by ClinVar (database versions not stated): gnomAD exomes 0.00005 and 0.00009; ExAC 0.00012.

Submissions (4):

Blueprint Genetics
Classification: Uncertain significance. Last evaluated: 2024-09-18. Review status: criteria provided, single submitter. Criteria: ACMG Guidelines, 2015. Collection method: clinical testing. Allele origin: germline.

Ambry Genetics
Classification: Uncertain significance for Inborn genetic diseases. Last evaluated: 2022-01-04. Review status: criteria provided, single submitter. Criteria: Ambry Variant Classification Scheme 2023. Collection method: clinical testing. Allele origin: germline.

Labcorp Genetics (formerly Invitae), Labcorp
Classification: Uncertain significance. Last evaluated: 2019-12-30. Review status: criteria provided, single submitter. Criteria: Invitae Variant Classification Sherloc (09022015). Collection method: clinical testing. Allele origin: germline.
Comment: This sequence change replaces alanine with threonine at codon 47 of the CEP78 protein (p.Ala47Thr). The alanine residue is weakly conserved and there is a small physicochemical difference between alanine and threonine. In summary, the available evidence is currently insufficient to determine the role of this variant in disease. Therefore, it has been classified as a Variant of Uncertain Significance. Algorithms developed to predict the effect of missense changes on protein structure and function output the following: SIFT: "Tolerated"; PolyPhen-2: "Benign"; Align-GVGD: "Class C0". The threonine amino acid residue is found in multiple mammalian species, suggesting that this missense change does not adversely affect protein function. These predictions have not been confirmed by published functional studies and their clinical significance is uncertain. This variant has not been reported in the literature in individuals with CEP78-related conditions. This variant is present in population databases (rs770673349, ExAC 0.08%).

Institute of Human Genetics, Univ. Regensburg, Univ. Regensburg
Classification: Uncertain significance for Optic atrophy. Last evaluated: 2022-01-01. Review status: no assertion criteria provided. Criteria: ACMG Guidelines, 2015. Collection method: clinical testing. Allele origin: germline. Affected: yes. Not counted in ClinVar's aggregate classification.